The following is an entry in ClinVar:

NM_001429.4(EP300):c.2594C>T (p.Thr865Ile)

Gene: EP300 (EP300 lysine acetyltransferase; plus strand). Cytogenetic location: 22q13.2.
Variant type: single nucleotide variant.
Coding change: c.2594C>T on transcript NM_001429.4 (MANE Select); coding-DNA position 2594, C replaced by T.
Protein change: p.Thr865Ile; replaces threonine 865 with isoleucine.
Molecular consequence: missense variant.
Genome position (GRCh38, 1-based): chr22:41,149,975, C>T. VCF-style: chr22-41149975-C-T. GRCh37 (hg19) VCF-style: chr22-41545979-C-T.
Other names: c.2516C>T, p.Thr839Ile (NM_001362843.2); short protein forms T839I, T865I.
Identifiers: ClinVar variation 1278625 (VCV001278625.11), dbSNP rs754168978, ClinGen allele CA10252906.

ClinVar aggregate classification (germline): Conflicting classifications of pathogenicity. Review status: criteria provided, conflicting classifications (1 of 4 stars). 5 submissions from 5 submitters: Uncertain significance (1); Benign (2); Likely benign (1). 1 of the submissions does not count toward it. Last evaluated 2026-09-01.

Conditions:
Rubinstein-Taybi syndrome due to EP300 haploinsufficiency. Also called: EP300-Related Rubinstein-Taybi Syndrome; RUBINSTEIN-TAYBI SYNDROME 2. Identifiers: Orphanet 353284, Orphanet 783, MedGen C3150941, MONDO:0013364, OMIM 613684.
EP300-related disorder. Also called: EP300-related condition; EP300-related disorders.

Allele frequency attached by ClinVar (database versions not stated): gnomAD 0.00003; TOPMed 0.00003; gnomAD exomes 0.00006 and 0.00012; ExAC 0.00012.
gnomAD v4.1: 41 of 1,613,924 alleles (0.0025%); highest among the groups gnomAD compares: Admixed American, 0.065%; no homozygotes.

Submissions (5):

CeGaT Center for Human Genetics Tuebingen
Classification: Likely benign. Last evaluated: 2026-09-01. Review status: criteria provided, single submitter. Criteria: CeGaT Center For Human Genetics Tuebingen Variant Classification Criteria Version 2. Collection method: clinical testing. Allele origin: germline. Affected: yes. Observed: 1 variant allele.
Comment: EP300: BP4, BS1

Labcorp Genetics (formerly Invitae), Labcorp
Classification: Benign for Rubinstein-Taybi syndrome due to EP300 haploinsufficiency. Last evaluated: 2025-11-26. Review status: criteria provided, single submitter. Criteria: Invitae Variant Classification Sherloc (09022015). Collection method: clinical testing. Allele origin: germline.

Revvity Omics, Revvity
Classification: Uncertain significance. Last evaluated: 2025-06-25. Review status: criteria provided, single submitter. Criteria: ACMG Guidelines, 2015. Collection method: clinical testing. Allele origin: germline.

GeneDx
Classification: Benign. Last evaluated: 2021-06-07. Review status: criteria provided, single submitter. Criteria: GeneDx Variant Classification Process June 2021. Collection method: clinical testing. Allele origin: germline. Affected: yes.

PreventionGenetics, part of Exact Sciences
Classification: Likely benign for EP300-related condition. Last evaluated: 2022-03-16. Review status: no assertion criteria provided. Collection method: clinical testing. Allele origin: germline. Not counted in ClinVar's aggregate classification.
Comment: This variant is classified as likely benign based on ACMG/AMP sequence variant interpretation guidelines (Richards et al. 2015 PMID: 25741868, with internal and published modifications).